The following is an entry in ClinVar:

NM_080680.3(COL11A2):c.4154A>G (p.Gln1385Arg)

Gene: COL11A2 (collagen type XI alpha 2 chain; minus strand). Cytogenetic location: 6p21.32.
Variant type: single nucleotide variant.
Coding change: c.4154A>G on transcript NM_080680.3 (MANE Select); coding-DNA position 4154, A replaced by G.
Protein change: p.Gln1385Arg; replaces glutamine 1385 with arginine.
Molecular consequence: missense variant.
Genome position (GRCh38, 1-based): chr6:33,167,286, T>C on the plus strand (A>G on the coding strand, the complement: COL11A2 is on the minus strand). VCF-style: chr6-33167286-T-C. GRCh37 (hg19) VCF-style: chr6-33135063-T-C.
Other names: c.3974A>G, p.Gln1325Arg (NM_001424108.1); c.3308A>G, p.Gln1103Arg (NM_001424109.1); c.3128A>G, p.Gln1043Arg (NM_001424110.1, NM_001424111.1); c.2108A>G, p.Gln703Arg (NM_001424112.1); c.3833A>G, p.Gln1278Arg (NM_080679.3); c.3896A>G, p.Gln1299Arg (NM_080681.3); c.4154A>G (NM_080680.2); short protein forms Q1103R, Q1385R, Q1299R, Q1325R, Q1043R, Q1278R, Q703R.
Identifiers: ClinVar variation 2916558 (VCV002916558.4), dbSNP rs1769291948, ClinGen allele CA363622555.

ClinVar aggregate classification (germline): Uncertain significance. Review status: criteria provided, multiple submitters, no conflicts (2 of 4 stars). 2 submissions from 2 submitters: Uncertain significance (2). Last evaluated 2026-06-23.

Conditions:
Inborn genetic diseases. Identifiers: MedGen C0950123, MeSH D030342.

Allele frequency attached by ClinVar (database versions not stated): gnomAD 0.00001; gnomAD exomes 0.00001; TOPMed below 0.00001.
gnomAD v4.1: 10 of 1,613,858 alleles (0.00062%); highest among the groups gnomAD compares: Non-Finnish European, 0.00085%; no homozygotes.

Submissions (2):

Ambry Genetics
Classification: Uncertain significance for Inborn genetic diseases. Last evaluated: 2026-06-23. Review status: criteria provided, single submitter. Criteria: Ambry Variant Classification Scheme 2023. Collection method: clinical testing. Allele origin: germline.

Labcorp Genetics (formerly Invitae), Labcorp
Classification: Uncertain significance. Last evaluated: 2024-05-15. Review status: criteria provided, single submitter. Criteria: Invitae Variant Classification Sherloc (09022015). Collection method: clinical testing. Allele origin: germline.
Comment: This sequence change replaces glutamine, which is neutral and polar, with arginine, which is basic and polar, at codon 1385 of the COL11A2 protein (p.Gln1385Arg). This variant is not present in population databases (gnomAD no frequency). This variant has not been reported in the literature in individuals affected with COL11A2-related conditions. Advanced modeling of protein sequence and biophysical properties (such as structural, functional, and spatial information, amino acid conservation, physicochemical variation, residue mobility, and thermodynamic stability) performed at Invitae indicates that this missense variant is not expected to disrupt COL11A2 protein function with a negative predictive value of 95%. In summary, the available evidence is currently insufficient to determine the role of this variant in disease. Therefore, it has been classified as a Variant of Uncertain Significance.